The following is an entry in ClinVar:

NM_020366.4(RPGRIP1):c.1757C>G (p.Thr586Arg)

Gene: RPGRIP1 (RPGR interacting protein 1; plus strand). Cytogenetic location: 14q11.2.
Variant type: single nucleotide variant.
Coding change: c.1757C>G on transcript NM_020366.4 (MANE Select); coding-DNA position 1757, C replaced by G.
Protein change: p.Thr586Arg; replaces threonine 586 with arginine.
Molecular consequence: missense variant.
Genome position (GRCh38, 1-based): chr14:21,321,999, C>G. VCF-style: chr14-21321999-C-G. GRCh37 (hg19) VCF-style: chr14-21790158-C-G.
Other names: c.683C>G, p.Thr228Arg (NM_001377523.1, NM_001377948.1, NM_001377949.1 and 1 more transcripts); c.185C>G, p.Thr62Arg (NM_001377951.1); short protein forms T62R, T228R, T586R.
Identifiers: ClinVar variation 1407390 (VCV001407390.5), dbSNP rs1387707646, ClinGen allele CA388866113.

ClinVar aggregate classification (germline): Uncertain significance (1 of 4 stars; one submission).

Conditions:
Leber congenital amaurosis 6 (LCA6). Identifiers: Orphanet 65, MedGen C1854260, MONDO:0013446, OMIM 613826.
Cone-rod dystrophy 13 (CORD13). Identifiers: Orphanet 1872, MedGen C2750720, MONDO:0011987, OMIM 608194.

gnomAD v4.1: 2 of 1,612,070 alleles (0.00012%); highest among the groups gnomAD compares: Non-Finnish European, 0.000085%; no homozygotes.

Submission:

Labcorp Genetics (formerly Invitae), Labcorp
Classification: Uncertain significance for Leber congenital amaurosis 6; Cone-rod dystrophy 13. Last evaluated: 2022-10-21. Review status: criteria provided, single submitter. Criteria: Invitae Variant Classification Sherloc (09022015). Collection method: clinical testing. Allele origin: germline.
Comment: This sequence change replaces threonine, which is neutral and polar, with arginine, which is basic and polar, at codon 586 of the RPGRIP1 protein (p.Thr586Arg). This variant is present in population databases (no rsID available, gnomAD no frequency). This variant has not been reported in the literature in individuals affected with RPGRIP1-related conditions. ClinVar contains an entry for this variant (Variation ID: 1407390). Algorithms developed to predict the effect of missense changes on protein structure and function are either unavailable or do not agree on the potential impact of this missense change (SIFT: "Tolerated"; PolyPhen-2: "Possibly Damaging"; Align-GVGD: "Class C0"). In summary, the available evidence is currently insufficient to determine the role of this variant in disease. Therefore, it has been classified as a Variant of Uncertain Significance.